The following is an entry in ClinVar:

ClinVar aggregate classification (germline): Uncertain significance (1 of 4 stars; one submission).

Conditions:
RASopathy. Also called: rasopathies; Noonan spectrum disorder. Identifiers: Orphanet 536391, MedGen C5555857, MONDO:0021060.

Submission:

Labcorp Genetics (formerly Invitae), Labcorp
Classification: Uncertain significance for RASopathy. Last evaluated: 2023-09-17. Review status: criteria provided, single submitter. Criteria: Invitae Variant Classification Sherloc (09022015). Collection method: clinical testing. Allele origin: germline.
Comment: This sequence change replaces threonine, which is neutral and polar, with arginine, which is basic and polar, at codon 497 of the SHOC2 protein (p.Thr497Arg). This variant is not present in population databases (gnomAD no frequency). This variant has not been reported in the literature in individuals affected with SHOC2-related conditions. In summary, the available evidence is currently insufficient to determine the role of this variant in disease. Therefore, it has been classified as a Variant of Uncertain Significance. Advanced modeling of protein sequence and biophysical properties (such as structural, functional, and spatial information, amino acid conservation, physicochemical variation, residue mobility, and thermodynamic stability) performed at Invitae indicates that this missense variant is not expected to disrupt SHOC2 protein function.

NM_007373.4(SHOC2):c.1490C>G (p.Thr497Arg)

Gene: SHOC2 (SHOC2 leucine rich repeat scaffold protein; plus strand). Cytogenetic location: 10q25.2.
Variant type: single nucleotide variant.
Coding change: c.1490C>G on transcript NM_007373.4 (MANE Select); coding-DNA position 1490, C replaced by G.
Protein change: p.Thr497Arg; replaces threonine 497 with arginine.
Molecular consequence: missense variant. On other transcripts: non-coding transcript variant (1).
Genome position (GRCh38, 1-based): chr10:111,009,780, C>G. VCF-style: chr10-111009780-C-G. GRCh37 (hg19) VCF-style: chr10-112769538-C-G.
Other names: c.1352C>G, p.Thr451Arg (NM_001269039.3); c.1490C>G, p.Thr497Arg (NM_001324336.2, NM_001324337.2); short protein forms T497R, T451R.
Identifiers: ClinVar variation 2781300 (VCV002781300.3), dbSNP rs730881023, ClinGen allele CA378524741.